The following is an entry in ClinVar:

ClinVar aggregate classification (germline): Conflicting classifications of pathogenicity. Review status: criteria provided, conflicting classifications (1 of 4 stars). 3 submissions from 3 submitters: Uncertain significance (2); Likely benign (1). Last evaluated 2025-09-15.

Conditions:
Inborn genetic diseases. Identifiers: MedGen C0950123, MeSH D030342.

Allele frequency attached by ClinVar (database versions not stated): gnomAD 0.00001; ExAC 0.00002; gnomAD exomes 0.00003 and 0.00006; TOPMed 0.00003.
gnomAD v4.1: 20 of 1,613,920 alleles (0.0012%); highest among the groups gnomAD compares: Admixed American, 0.028%; no homozygotes.

Submissions (3):

Labcorp Genetics (formerly Invitae), Labcorp
Classification: Uncertain significance. Last evaluated: 2025-09-15. Review status: criteria provided, single submitter. Criteria: Invitae Variant Classification Sherloc (09022015). Collection method: clinical testing. Allele origin: germline.
Comment: This sequence change replaces glutamic acid, which is acidic and polar, with glycine, which is neutral and non-polar, at codon 1755 of the VCAN protein (p.Glu1755Gly). This variant is present in population databases (rs758435092, gnomAD 0.03%). This variant has not been reported in the literature in individuals affected with VCAN-related conditions. ClinVar contains an entry for this variant (Variation ID: 1051156). An algorithm developed to predict the effect of missense changes on protein structure and function (PolyPhen-2) suggests that this variant is likely to be tolerated. In summary, the available evidence is currently insufficient to determine the role of this variant in disease. Therefore, it has been classified as a Variant of Uncertain Significance.

Ambry Genetics
Classification: Uncertain significance for Inborn genetic diseases. Last evaluated: 2024-11-13. Review status: criteria provided, single submitter. Criteria: Ambry Variant Classification Scheme 2023. Collection method: clinical testing. Allele origin: germline.

Blueprint Genetics
Classification: Likely benign. Last evaluated: 2022-04-11. Review status: criteria provided, single submitter. Criteria: ACMG Guidelines, 2015. Collection method: clinical testing. Allele origin: germline.

NM_004385.5(VCAN):c.5264A>G (p.Glu1755Gly)

Genes: VCAN (versican; plus strand), VCAN-AS1 (VCAN antisense RNA 1; minus strand). Cytogenetic location: 5q14.3.
Variant type: single nucleotide variant.
Coding change: c.5264A>G on transcript NM_004385.5 (MANE Select); coding-DNA position 5264, A replaced by G.
Protein change: p.Glu1755Gly; replaces glutamic acid 1755 with glycine.
Molecular consequence: missense variant. On other transcripts: intron variant (2).
Genome position (GRCh38, 1-based): chr5:83,538,267, A>G. VCF-style: chr5-83538267-A-G. GRCh37 (hg19) VCF-style: chr5-82834086-A-G.
Other names: c.5264A>G (NM_004385.4); c.2303A>G, p.Glu768Gly (NM_001164097.2); c.4004-7270A>G (NM_001164098.2); c.1043-7270A>G (NM_001126336.3); short protein forms E1755G, E768G.
Identifiers: ClinVar variation 1051156 (VCV001051156.10), dbSNP rs758435092, ClinGen allele CA3333304.
Genomic context (GRCh38, chr5:83,538,267, plus strand): 5'-CTTCTACATTTGAGGTATATTCATCTACACAGAGATCGGATCAATTAATTTTACCCTTTG[A>G]ATTAGAAAGTCCAAATGTAGCTACATCTAGTGATTCAGGTACCAGGAAAAGTTTTATGTC-3'
Protein context (NP_004376.2, residues 1745-1765): QRSDQLILPF[Glu1755Gly]LESPNVATSS